The following is an entry in ClinVar:

NM_000256.3(MYBPC3):c.2738-2A>T

Gene: MYBPC3 (myosin binding protein C3; minus strand). Cytogenetic location: 11p11.2.
Variant type: single nucleotide variant.
Coding change: c.2738-2A>T on transcript NM_000256.3 (MANE Select); the canonical splice acceptor site of the intron before coding-DNA position 2738, A replaced by T.
Molecular consequence: splice acceptor variant.
Genome position (GRCh38, 1-based): chr11:47,335,211, T>A on the plus strand (A>T on the coding strand, the complement: MYBPC3 is on the minus strand). VCF-style: chr11-47335211-T-A. GRCh37 (hg19) VCF-style: chr11-47356762-T-A.
Identifiers: ClinVar variation 810742 (VCV000810742.1), dbSNP rs1595842632, ClinGen allele CA380316887.

ClinVar aggregate classification (germline): Likely pathogenic (1 of 4 stars; one submission).

Conditions:
Hypertrophic cardiomyopathy 4. Also called: Familial hypertrophic cardiomyopathy 4. Identifiers: MedGen C1861862, MONDO:0007268, OMIM 115197.

Submission:

Agnes Ginges Centre for Molecular Cardiology, Centenary Institute
Classification: Likely pathogenic for Hypertrophic cardiomyopathy 4. Last evaluated: 2018-10-16. Review status: criteria provided, single submitter. Criteria: ACMG Guidelines, 2015. Collection method: research. Allele origin: germline. Inheritance: Autosomal dominant inheritance. Affected: yes.
Comment: The MYBPC c.2738-2A>T variant is not observed in large population databases such as the Genome Aggregation Database. This variant affects the canonical splice acceptor site of intron 26, and is therefore predicted to cause abnormal splicing. Interestingly, other rare variants at this position (c.2738-2A>C; c.2738-2A>G) have been reported in HCM patients (Zou Y, et al., 2013; Walsh R, et al., 2017), suggesting that single nucleotide changes at this position may not be tolerated. Loss of function variants in MYBPC3 are a known mechanism of disease in HCM and splice variants in MYBPC3 have been shown to be disease-causing. Hence, we classify MYBPC3 c.2738-2A>T as "likely pathogenic".

Literature cited by the submitters: PubMed 23283745; PubMed 28408708.